The following is an entry in ClinVar:

NM_020686.6(ABAT):c.108C>A (p.Asp36Glu)

Gene: ABAT (4-aminobutyrate aminotransferase; plus strand). Cytogenetic location: 16p13.2.
Variant type: single nucleotide variant.
Coding change: c.108C>A on transcript NM_020686.6 (MANE Select); coding-DNA position 108, C replaced by A.
Protein change: p.Asp36Glu; replaces aspartic acid 36 with glutamic acid.
Molecular consequence: missense variant. On other transcripts: 5 prime UTR variant (3), intron variant (2).
Genome position (GRCh38, 1-based): chr16:8,746,038, C>A. VCF-style: chr16-8746038-C-A. GRCh37 (hg19) VCF-style: chr16-8839895-C-A.
Other names: c.108C>A, p.Asp36Glu (NM_000663.5, NM_001127448.2, NM_001386600.1 and 11 more transcripts); c.-28C>A (NM_001386611.1, NM_001386612.1, NM_001386613.1); c.71-2070C>A (NM_001386610.1); c.70+10229C>A (NM_001386614.1); short protein forms D36E.
Identifiers: ClinVar variation 952286 (VCV000952286.9), dbSNP rs751650520, ClinGen allele CA7892960.

ClinVar aggregate classification (germline): Uncertain significance (1 of 4 stars; one submission).

Conditions:
Gamma-aminobutyric acid transaminase deficiency (GABATD). Also called: GABA transaminase deficiency; Gamma aminobutyrate transaminase deficiency; 4 alpha aminobutyrate transaminase deficiency; GABA aminotransaminase deficiency. Identifiers: Orphanet 2066, MedGen C0342708, MONDO:0013166, OMIM 613163.

gnomAD v4.1: 13 of 1,613,840 alleles (0.00081%); highest among the groups gnomAD compares: Non-Finnish European, 0.00093%; no homozygotes.

Submission:

Labcorp Genetics (formerly Invitae), Labcorp
Classification: Uncertain significance for Gamma-aminobutyric acid transaminase deficiency. Last evaluated: 2024-01-24. Review status: criteria provided, single submitter. Criteria: Invitae Variant Classification Sherloc (09022015). Collection method: clinical testing. Allele origin: germline.
Comment: This sequence change replaces aspartic acid, which is acidic and polar, with glutamic acid, which is acidic and polar, at codon 36 of the ABAT protein (p.Asp36Glu). This variant is present in population databases (rs751650520, gnomAD 0.002%). This variant has not been reported in the literature in individuals affected with ABAT-related conditions. ClinVar contains an entry for this variant (Variation ID: 952286). An algorithm developed to predict the effect of missense changes on protein structure and function (PolyPhen-2) suggests that this variant¬†is likely to be tolerated. In summary, the available evidence is currently insufficient to determine the role of this variant in disease. Therefore, it has been classified as a Variant of Uncertain Significance.